The following is an entry in ClinVar:

NM_130837.3(OPA1):c.2253_2254del (p.Ile751_Phe752insTer)

Gene: OPA1 (OPA1 mitochondrial dynamin like GTPase; plus strand). Cytogenetic location: 3q29.
Variant type: Microsatellite.
Coding change: c.2253_2254del on transcript NM_130837.3 (MANE Select); coding-DNA positions 2253 to 2254, 2 bases deleted (AT; older notation c.2253_2254delAT).
Protein change: p.Ile751_Phe752insTer.
Molecular consequence: frameshift variant. On other transcripts: nonsense (2).
Genome position (GRCh38, 1-based): chr3:193,657,154-193,657,155, AT deleted; deleting any 2 consecutive bases within chr3:193,657,152-193,657,155 gives the same sequence; the c. name uses the placement nearest the transcript's 3' end. VCF-style (leftmost placement, unchanged base first): chr3-193657151-CAT-C. GRCh37 (hg19) VCF-style: chr3-193374940-CAT-C.
Other names: c.2253_2254delAT (NM_130837.2); c.1719_1720del, p.Ile573_Phe574insTer (NM_001354663.2); c.1716_1717del, p.Ile572_Phe573insTer (NM_001354664.2); c.2088_2089del, p.Ile696_Phe697insTer (NM_015560.3); c.1980_1981del, p.Ile660_Phe661insTer (NM_130831.3); c.2034_2035del, p.Ile678_Phe679insTer (NM_130832.3); c.2091_2092del, p.Ile697_Phe698insTer (NM_130833.3); c.2142_2143del, p.Ile714_Phe715insTer (NM_130834.3); and 3 more.
Identifiers: ClinVar variation 2630879 (VCV002630879.1), dbSNP rs2475051035, ClinGen allele CA2695199351.

ClinVar aggregate classification (germline): Pathogenic (1 of 4 stars; one submission).

Conditions:
OPA1-related disorder. Also called: OPA1-related condition; OPA1-related disorders.

Submission:

PreventionGenetics, part of Exact Sciences
Classification: Pathogenic for OPA1-related condition. Last evaluated: 2023-08-15. Review status: criteria provided, single submitter. Criteria: ACMG Guidelines, 2015. Collection method: clinical testing. Allele origin: germline.
Comment: The OPA1 c.2253_2254delAT variant is predicted to result in premature protein termination (p.Phe752*). To our knowledge, this variant has not been reported in the literature or in a large population database, indicating this variant is rare. Nonsense variants in OPA1 are expected to be pathogenic. Therefore, we interpret this variant as pathogenic.